The following is an entry in ClinVar:

ClinVar aggregate classification (germline): Pathogenic. Review status: criteria provided, multiple submitters, no conflicts (2 of 4 stars). 2 submissions from 2 submitters: Pathogenic (2). Last evaluated 2025-08-11.

Conditions:
Polyglandular autoimmune syndrome, type 1 (APS1). Also called: AUTOIMMUNE POLYENDOCRINE SYNDROME, TYPE I, WITH OR WITHOUT REVERSIBLE METAPHYSEAL DYSPLASIA; APS I; PGA I; Autoimmune polyendocrinopathy syndrome , type I, with or without reversible metaphyseal dysplasia; Autoimmune polyendocrine syndrome type 1; Whitaker syndrome. Identifiers: Orphanet 3453, MedGen C0085859, MONDO:0009411, OMIM 240300.

Submissions (2):

Myriad Genetics, Inc.
Classification: Pathogenic for Polyglandular autoimmune syndrome, type 1. Last evaluated: 2025-08-11. Review status: criteria provided, single submitter. Criteria: Myriad Autosomal Dominant, Autosomal Recessive and X-Linked Classification Criteria (2023). Collection method: clinical testing. Allele origin: unknown.
Comment: NM_000383.3(AIRE):c.1497delT(A500Pfs*21) is a frameshift variant classified as pathogenic in the context of autoimmune polyglandular syndrome type 1. A500Pfs*21 has been observed in cases with relevant disease (PMID: 24158785, 28911151). Relevant functional assessments of this variant are not available in the literature. A500Pfs*21 has not been observed in referenced population frequency databases. In summary, NM_000383.3(AIRE):c.1497delT(A500Pfs*21) is a frameshift variant that has been observed more frequently in cases with the relevant disease than in healthy populations. Please note: this variant was assessed in the context of healthy population screening.

Labcorp Genetics (formerly Invitae), Labcorp
Classification: Pathogenic for Polyglandular autoimmune syndrome, type 1. Last evaluated: 2023-04-27. Review status: criteria provided, single submitter. Criteria: Invitae Variant Classification Sherloc (09022015). Collection method: clinical testing. Allele origin: germline.
Comment: This sequence change creates a premature translational stop signal (p.Ala500Profs*21) in the AIRE gene. While this is not anticipated to result in nonsense mediated decay, it is expected to disrupt the last 46 amino acid(s) of the AIRE protein. This variant is not present in population databases (gnomAD no frequency). This premature translational stop signal has been observed in individual(s) with autoimmune polyendocrinopathy syndrome (PMID: 24158785). This variant disrupts a region of the AIRE protein in which other variant(s) (p.Pro539Leu) have been determined to be pathogenic (PMID: 11836330, 15811934, 17289071, 17675238). This suggests that this is a clinically significant region of the protein, and that variants that disrupt it are likely to be disease-causing. For these reasons, this variant has been classified as Pathogenic.

Literature cited by the submitters: PubMed 24158785 (cited by Myriad Genetics, Inc. and Labcorp Genetics (formerly Invitae), Labcorp); PubMed 28911151 (cited by Myriad Genetics, Inc.); PubMed 11836330 (cited by Labcorp Genetics (formerly Invitae), Labcorp); PubMed 15811934 (cited by Labcorp Genetics (formerly Invitae), Labcorp); PubMed 17289071 (cited by Labcorp Genetics (formerly Invitae), Labcorp); PubMed 17675238 (cited by Labcorp Genetics (formerly Invitae), Labcorp).

NM_000383.4(AIRE):c.1497del (p.Ala500fs)

Gene: AIRE (autoimmune regulator; plus strand). Cytogenetic location: 21q22.3.
Variant type: Deletion.
Coding change: c.1497del on transcript NM_000383.4 (MANE Select); coding-DNA position 1497, one base deleted (T; older notation c.1497delT).
Protein change: p.Ala500fs; shifts the reading frame from alanine 500.
Molecular consequence: frameshift variant.
Genome position (GRCh38, 1-based): chr21:44,294,497, T deleted. VCF-style (leftmost placement, unchanged base first): chr21-44294496-CT-C. GRCh37 (hg19) VCF-style: chr21-45714379-CT-C.
Other names: short protein forms A500fs.
Identifiers: ClinVar variation 2737004 (VCV002737004.4), dbSNP rs2517886998, ClinGen allele CA2695230276.
Genomic context (GRCh38, chr21:44,294,496, plus strand): 5'-TGACCCCAGCCCCTGTGGAGGGGGTGCTGGCCCCCAGCCCCGCCCGCCTGGCCCCTGGGC[CT>C]GCCAAGGTCAGTGCCGCAGGGGCCCTCCATGCATGCCGGTGCTGGGGGTGGGGAACCCCT-3'